The following is an entry in ClinVar:

NM_000179.3(MSH6):c.381C>T (p.Val127=)

Gene: MSH6 (mutS homolog 6; plus strand). Cytogenetic location: 2p16.3.
Variant type: single nucleotide variant.
Coding change: c.381C>T on transcript NM_000179.3 (MANE Select); coding-DNA position 381, C replaced by T.
Protein change: p.Val127=; no amino-acid change (valine 127 retained).
Molecular consequence: synonymous variant. On other transcripts: 5 prime UTR variant (2), intron variant (1).
Genome position (GRCh38, 1-based): chr2:47,791,047, C>T. VCF-style: chr2-47791047-C-T. GRCh37 (hg19) VCF-style: chr2-48018186-C-T.
Other names: c.-356C>T (NM_001281493.2); c.-522C>T (NM_001281494.2); c.238-7564C>T (NM_001281492.2).
Identifiers: ClinVar variation 215657 (VCV000215657.20), dbSNP rs863224334, ClinGen allele CA337331.

ClinVar aggregate classification (germline): Benign/Likely benign. Review status: criteria provided, multiple submitters, no conflicts (2 of 4 stars). 5 submissions from 5 submitters: Benign (1); Likely benign (4). Last evaluated 2025-08-09.

Conditions:
Hereditary cancer-predisposing syndrome. Also called: Hereditary neoplastic syndrome; Neoplastic Syndromes, Hereditary; Tumor predisposition; Hereditary Cancer Syndrome. Identifiers: Orphanet 140162, MedGen C0027672, MeSH D009386, MONDO:0015356.
Hereditary nonpolyposis colorectal neoplasms. Identifiers: MedGen C0009405, MeSH D003123.
Lynch syndrome. Identifiers: Orphanet 144, MedGen C4552100, MONDO:0005835. Disease mechanism: loss of function.
Lynch syndrome 5 (LYNCH5). Also called: Colorectal cancer, hereditary nonpolyposis, type 5; Hereditary non-polyposis colorectal cancer, type 5. Identifiers: Orphanet 144, MedGen C1833477, MONDO:0013710, OMIM 614350. Disease mechanism: loss of function.

Allele frequency attached by ClinVar (database versions not stated): gnomAD exomes below 0.00001.
gnomAD v4.1: 2 of 1,614,168 alleles (0.00012%); highest among the groups gnomAD compares: Non-Finnish European, 0.00017%; no homozygotes.

Submissions (5):

Labcorp Genetics (formerly Invitae), Labcorp
Classification: Likely benign for Hereditary nonpolyposis colorectal neoplasms. Last evaluated: 2025-08-09. Review status: criteria provided, single submitter. Criteria: Invitae Variant Classification Sherloc (09022015). Collection method: clinical testing. Allele origin: germline.

Myriad Genetics, Inc.
Classification: Benign for Lynch syndrome 5. Last evaluated: 2024-12-18. Review status: criteria provided, single submitter. Criteria: Myriad Autosomal Dominant, Autosomal Recessive and X-Linked Classification Criteria (2023). Collection method: clinical testing. Allele origin: unknown.
Comment: This variant is considered benign. This variant is a silent/synonymous amino acid change and it is not expected to impact splicing.

All of Us Research Program, National Institutes of Health
Classification: Likely benign for Lynch syndrome. Last evaluated: 2023-03-23. Review status: criteria provided, single submitter. Criteria: ACMG Guidelines, 2015. Collection method: clinical testing. Allele origin: germline. Inheritance: Autosomal dominant inheritance. Observed: 1 variant allele, 1 heterozygote.
Comment: This study involves interpretation of variants in research participants for the purpose of population health screening. Participant phenotype was not available at the time of variant classification. Additional details can be found in publication PMID: 35346344, PMCID: PMC8962531

Color Diagnostics, LLC DBA Color Health
Classification: Likely benign for Hereditary cancer-predisposing syndrome. Last evaluated: 2017-10-28. Review status: criteria provided, single submitter. Criteria: ACMG Guidelines, 2015. Collection method: clinical testing. Allele origin: germline.

Ambry Genetics
Classification: Likely benign for Hereditary cancer-predisposing syndrome. Last evaluated: 2017-08-31. Review status: criteria provided, single submitter. Criteria: Ambry Variant Classification Scheme 2023. Collection method: clinical testing. Allele origin: germline.